The following is an entry in ClinVar:

ClinVar aggregate classification (germline): Likely pathogenic (1 of 4 stars; one submission).

Conditions:
Dilated cardiomyopathy 1G (CMD1G). Identifiers: Orphanet 154, MedGen C1858763, MONDO:0011400, OMIM 604145.
Hypertrophic cardiomyopathy 9. Also called: Familial hypertrophic cardiomyopathy 9. Identifiers: MedGen C1861065, MONDO:0013412, OMIM 613765.
Early-onset myopathy with fatal cardiomyopathy (CMYO5). Also called: Salih Myopathy; CONGENITAL MYOPATHY 5 WITH CARDIOMYOPATHY. Identifiers: Orphanet 289377, MedGen C2673677, MONDO:0012714, OMIM 611705. Disease mechanism: loss of function.
Tibial muscular dystrophy (TMD). Also called: Tibial muscular dystrophy, tardive; Udd Distal Myopathy – Tibial Muscular Dystrophy; UDD MYOPATHY. Identifiers: Orphanet 609, MedGen C1838244, MONDO:0010870, OMIM 600334.
Autosomal recessive limb-girdle muscular dystrophy type 2J (LGMDR10). Also called: MUSCULAR DYSTROPHY, LIMB-GIRDLE, AUTOSOMAL RECESSIVE 10; Limb-girdle muscular dystrophy, type 2J. Identifiers: Orphanet 140922, MedGen C1837342, MONDO:0012127, OMIM 608807.
Myopathy, myofibrillar, 9, with early respiratory failure (MFM9). Also called: EDSTROM MYOPATHY; Myopathy, distal, with early respiratory failure, autosomal dominant; Hereditary myopathy with early respiratory failure; MYOPATHY, PROXIMAL, WITH EARLY RESPIRATORY MUSCLE INVOLVEMENT. Identifiers: Orphanet 178464, Orphanet 34521, MedGen C1863599, MONDO:0011362, OMIM 603689.

Submission:

Juno Genomics, Hangzhou Juno Genomics, Inc
Classification: Likely pathogenic for Early-onset myopathy with fatal cardiomyopathy; Dilated cardiomyopathy 1G; Hypertrophic cardiomyopathy 9; Autosomal recessive limb-girdle muscular dystrophy type 2J; Myopathy, myofibrillar, 9, with early respiratory failure; Tibial muscular dystrophy. Review status: criteria provided, single submitter. Criteria: ACMG Guidelines, 2015. Collection method: clinical testing. Allele origin: germline.
Comment: Absent from controls (or at extremely low frequency if recessive) in Genome Aggregation Database.;Null variant in a gene where loss of function (LOF) is a known mechanism of disease.

NM_001267550.2(TTN):c.34587del (p.Glu11530fs)

Gene: TTN (titin; minus strand). Cytogenetic location: 2q31.2.
Variant type: Deletion.
Coding change: c.34587del on transcript NM_001267550.2 (MANE Select); coding-DNA position 34587, one base deleted (A; older notation c.34587delA).
Protein change: p.Glu11530fs; shifts the reading frame from glutamic acid 11530.
Molecular consequence: frameshift variant. On other transcripts: intron variant (3).
Genome position (GRCh38, 1-based): chr2:178,675,064, T deleted on the plus strand (A on the coding strand, the reverse complement: TTN is on the minus strand); the first of 3 consecutive T bases (chr2:178,675,064-178,675,066); deleting any one gives the same sequence. VCF-style (leftmost placement, unchanged base first): chr2-178675063-CT-C. GRCh37 (hg19) VCF-style: chr2-179539790-CT-C.
Other names: c.33465del, p.Glu11156fs (NM_001256850.1); c.30684del, p.Glu10229fs (NM_133378.4); c.13283-32747del (NM_003319.4); c.13859-32747del (NM_133437.4); c.13658-32747del (NM_133432.3); short protein forms E10229fs, E11156fs, E11530fs.
Identifiers: ClinVar variation 3382759 (VCV003382759.3).
Genomic context (GRCh38, chr2:178,675,063, plus strand): 5'-GACTTTGAAATGTTATTTTCTTAGAAAGTTATCTACCTTCAACTGGTAGAACTTCCTCTT[CT>C]TTAGGGAGAATGATTCGTTTTTCTTCCACCTTCTTAGGCACCTCAGGAACTTGAGAGACA-3'